The following is an entry in ClinVar:

ClinVar aggregate classification (germline): Benign. Review status: criteria provided, multiple submitters, no conflicts (2 of 4 stars). 2 submissions from 2 submitters: Benign (2). Last evaluated 2018-06-14.

Allele frequency attached by ClinVar (database versions not stated): TOPMed 0.19915; 1000 Genomes Project 30x 0.22923; 1000 Genomes Project 0.23143.
gnomAD v4.1: 149,358 of 630,412 alleles (24%); highest among the groups gnomAD compares: Admixed American, 36%; 19,412 homozygotes.

Submissions (2):

GeneDx
Classification: Benign. Last evaluated: 2018-06-14. Review status: criteria provided, single submitter. Criteria: GeneDx Variant Classification (06012015). Collection method: clinical testing. Allele origin: germline. Affected: yes.
Comment: This variant is considered likely benign or benign based on one or more of the following criteria: it is a conservative change, it occurs at a poorly conserved position in the protein, it is predicted to be benign by multiple in silico algorithms, and/or has population frequency not consistent with disease.

Breakthrough Genomics
Classification: Benign. Review status: criteria provided, single submitter. Criteria: ACMG Guidelines, 2015. Collection method: not provided. Allele origin: germline. Inheritance: Autosomal recessive inheritance. Affected: yes.

NM_015404.4(WHRN):c.1167-265C>A

Gene: WHRN (whirlin; minus strand). Cytogenetic location: 9q32.
Variant type: single nucleotide variant.
Coding change: c.1167-265C>A on transcript NM_015404.4 (MANE Select); 265 bases into the intron before coding-DNA position 1167, C replaced by A.
Molecular consequence: intron variant. On other transcripts: 5 prime UTR variant (1).
Genome position (GRCh38, 1-based): chr9:114,425,289, G>T on the plus strand (C>A on the coding strand, the complement: WHRN is on the minus strand). VCF-style: chr9-114425289-G-T. GRCh37 (hg19) VCF-style: chr9-117187569-G-T.
Other names: c.-152C>A (NM_001346890.1); c.1167-265C>A (NM_001173425.2); c.18-265C>A (NM_001083885.3).
Identifiers: ClinVar variation 672426 (VCV000672426.2), dbSNP rs2274162, ClinGen allele CA13101034.